The following is an entry in ClinVar:

NM_001365276.2(TNXB):c.3345C>G (p.Ala1115=)

Gene: TNXB (tenascin XB; minus strand). Cytogenetic location: 6p21.33.
Variant type: single nucleotide variant.
Coding change: c.3345C>G on transcript NM_001365276.2 (MANE Select); coding-DNA position 3345, C replaced by G.
Protein change: p.Ala1115=; no amino-acid change (alanine 1115 retained).
Molecular consequence: synonymous variant.
Genome position (GRCh38, 1-based): chr6:32,084,513, G>C on the plus strand (C>G on the coding strand, the complement: TNXB is on the minus strand). VCF-style: chr6-32084513-G-C. GRCh37 (hg19) VCF-style: chr6-32052290-G-C.
Other names: c.4086C>G, p.Ala1362= (NM_001428335.1); c.3345C>G, p.Ala1115= (NM_019105.8).
Identifiers: ClinVar variation 3349194 (VCV003349194.1).

ClinVar aggregate classification (germline): Likely benign (0 of 4 stars; one submission).

Conditions:
TNXB-related disorder. Also called: TNXB-related condition.

gnomAD v4.1: 4 of 1,608,918 alleles (0.00025%); highest among the groups gnomAD compares: Non-Finnish European, 0.00034%; no homozygotes.

Submission:

PreventionGenetics, part of Exact Sciences
Classification: Likely benign for TNXB-related condition. Last evaluated: 2024-03-14. Review status: no assertion criteria provided. Collection method: clinical testing. Allele origin: germline.
Comment: This variant is classified as likely benign based on ACMG/AMP sequence variant interpretation guidelines (Richards et al. 2015 PMID: 25741868, with internal and published modifications).